The following is an entry in ClinVar:

ClinVar aggregate classification (germline): Uncertain significance. Review status: criteria provided, multiple submitters, no conflicts (2 of 4 stars). 3 submissions from 3 submitters: Uncertain significance (2). 1 of the submissions does not count toward it. Last evaluated 2023-10-13.

Conditions:
Glycogen storage disease type III (GSD3). Also called: FORBES DISEASE; Cori disease. Identifiers: Orphanet 366, MedGen C0017922, MONDO:0009291, OMIM 232400.

Allele frequency attached by ClinVar (database versions not stated): TOPMed 0.00002.
gnomAD v4.1: 28 of 1,613,830 alleles (0.0017%); highest among the groups gnomAD compares: East Asian, 0.013%; no homozygotes.

Submissions (3):

Blueprint Genetics
Classification: Uncertain significance. Last evaluated: 2023-10-13. Review status: criteria provided, single submitter. Criteria: ACMG Guidelines, 2015. Collection method: clinical testing. Allele origin: germline.

Labcorp Genetics (formerly Invitae), Labcorp
Classification: Uncertain significance for Glycogen storage disease type III. Last evaluated: 2022-02-22. Review status: criteria provided, single submitter. Criteria: Invitae Variant Classification Sherloc (09022015). Collection method: clinical testing. Allele origin: germline.
Comment: This sequence change replaces valine, which is neutral and non-polar, with methionine, which is neutral and non-polar, at codon 46 of the AGL protein (p.Val46Met). This variant is present in population databases (rs762935611, gnomAD 0.02%). This variant has not been reported in the literature in individuals affected with AGL-related conditions. ClinVar contains an entry for this variant (Variation ID: 571364). Algorithms developed to predict the effect of missense changes on protein structure and function are either unavailable or do not agree on the potential impact of this missense change (SIFT: "Deleterious"; PolyPhen-2: "Possibly Damaging"; Align-GVGD: "Class C0"). In summary, the available evidence is currently insufficient to determine the role of this variant in disease. Therefore, it has been classified as a Variant of Uncertain Significance.

Natera, Inc.
Classification: Uncertain significance for Glycogen storage disease type III. Last evaluated: 2019-10-28. Review status: no assertion criteria provided. Collection method: clinical testing. Allele origin: germline. Not counted in ClinVar's aggregate classification.

NM_000642.3(AGL):c.136G>A (p.Val46Met)

Gene: AGL (amylo-alpha-1,6-glucosidase and 4-alpha-glucanotransferase; plus strand). Cytogenetic location: 1p21.2.
Variant type: single nucleotide variant.
Coding change: c.136G>A on transcript NM_000642.3 (MANE Select); coding-DNA position 136, G replaced by A.
Protein change: p.Val46Met; replaces valine 46 with methionine.
Molecular consequence: missense variant.
Genome position (GRCh38, 1-based): chr1:99,861,556, G>A. VCF-style: chr1-99861556-G-A. GRCh37 (hg19) VCF-style: chr1-100327112-G-A.
Other names: c.136G>A, p.Val46Met (NM_000028.3, NM_000643.3, NM_000644.3 and 5 more transcripts); c.88G>A, p.Val30Met (NM_000646.3); short protein forms V46M, V30M.
Identifiers: ClinVar variation 571364 (VCV000571364.8), dbSNP rs762935611, ClinGen allele CA966072.